The following is an entry in ClinVar:

NM_003982.4(SLC7A7):c.725G>A (p.Trp242Ter)

Gene: SLC7A7 (solute carrier family 7 member 7; minus strand). Cytogenetic location: 14q11.2.
Variant type: single nucleotide variant.
Coding change: c.725G>A on transcript NM_003982.4 (MANE Select); coding-DNA position 725, G replaced by A.
Protein change: p.Trp242Ter; replaces tryptophan 242 with a stop codon.
Molecular consequence: nonsense.
Genome position (GRCh38, 1-based): chr14:22,778,838, C>T on the plus strand (G>A on the coding strand, the complement: SLC7A7 is on the minus strand). VCF-style: chr14-22778838-C-T. GRCh37 (hg19) VCF-style: chr14-23248047-C-T.
Other names: c.725G>A, p.Trp242Ter (NM_001126105.3, NM_001126106.4); short protein forms W242*.
Identifiers: ClinVar variation 850645 (VCV000850645.11), dbSNP rs2038664064, ClinGen allele CA388923971.
Genomic context (GRCh38, chr14:22,778,838, plus strand): 5'-TGGTGCAGTACCTACCTCTCAGGATTCTTGATCTCTTCAGTGACATAGTTGAGGGTGTCC[C>T]AGCCTGAGTAGGAGAACAGAGCTGAGTACAGTGCCAGGGCAATGTCACCCACTGCAAATG-3'

ClinVar aggregate classification (germline): Pathogenic/Likely pathogenic. Review status: criteria provided, multiple submitters, no conflicts (2 of 4 stars). 2 submissions from 2 submitters: Pathogenic (1); Likely pathogenic (1). Last evaluated 2023-12-10.

Conditions:
Lysinuric protein intolerance (LPI). Identifiers: Orphanet 470, MedGen C0268647, MONDO:0009109, OMIM 222700.

Allele frequency attached by ClinVar (database versions not stated): gnomAD exomes below 0.00001.
gnomAD v4.1: 1 of 1,614,164 alleles (0.000062%); highest among the groups gnomAD compares: Non-Finnish European, 0.000085%; no homozygotes.

Submissions (2):

Baylor Genetics
Classification: Likely pathogenic for Lysinuric protein intolerance. Last evaluated: 2023-12-10. Review status: criteria provided, single submitter. Criteria: ACMG Guidelines, 2015. Collection method: clinical testing. Allele origin: unknown.

Labcorp Genetics (formerly Invitae), Labcorp
Classification: Pathogenic for Lysinuric protein intolerance. Last evaluated: 2023-09-23. Review status: criteria provided, single submitter. Criteria: Invitae Variant Classification Sherloc (09022015). Collection method: clinical testing. Allele origin: germline.
Comment: This sequence change creates a premature translational stop signal (p.Trp242*) in the SLC7A7 gene. It is expected to result in an absent or disrupted protein product. Loss-of-function variants in SLC7A7 are known to be pathogenic (PMID: 10631139, 17764084). This variant is not present in population databases (gnomAD no frequency). A different variant (c.726G>A) giving rise to the same protein effect has been determined to be pathogenic (PMID: 10631139). This suggests that this variant is also likely to be causative of disease. ClinVar contains an entry for this variant (Variation ID: 850645). For these reasons, this variant has been classified as Pathogenic.

Literature cited by the submitters: PubMed 10631139 (cited by Labcorp Genetics (formerly Invitae), Labcorp); PubMed 17764084 (cited by Labcorp Genetics (formerly Invitae), Labcorp).